The following is an entry in ClinVar:

NM_001386795.1(DTNA):c.2156G>A (p.Gly719Asp)

Gene: DTNA (dystrobrevin alpha; plus strand). Cytogenetic location: 18q12.1.
Variant type: single nucleotide variant.
Coding change: c.2156G>A on transcript NM_001386795.1 (MANE Select); coding-DNA position 2156, G replaced by A.
Protein change: p.Gly719Asp; replaces glycine 719 with aspartic acid.
Molecular consequence: missense variant.
Genome position (GRCh38, 1-based): chr18:34,879,713, G>A. VCF-style: chr18-34879713-G-A. GRCh37 (hg19) VCF-style: chr18-32459677-G-A.
Other names: c.1895G>A, p.Gly632Asp (NM_001198938.2, NM_001198940.2, NM_001386753.1 and 5 more transcripts); c.1916G>A, p.Gly639Asp (NM_001198939.2); c.1202G>A, p.Gly401Asp (NM_001198942.1); c.1145G>A, p.Gly382Asp (NM_001198943.1); c.1031G>A, p.Gly344Asp (NM_001198944.1); c.1985G>A, p.Gly662Asp (NM_001386754.1, NM_001386755.1, NM_001386756.1 and 3 more transcripts); c.1982G>A, p.Gly661Asp (NM_001386760.1); c.1904G>A, p.Gly635Asp (NM_001386761.1, NM_032975.4); and 5 more; short protein forms G634D, G661D, G692D, G340D, G382D, G401D, G631D, G719D.
Identifiers: ClinVar variation 1505560 (VCV001505560.8), dbSNP rs928341511, ClinGen allele CA297802047.

ClinVar aggregate classification (germline): Uncertain significance (1 of 4 stars; one submission).

Conditions:
Left ventricular noncompaction 1 (LVNC1). Also called: LEFT VENTRICULAR NONCOMPACTION 1 WITH OR WITHOUT CONGENITAL HEART DEFECTS. Identifiers: Orphanet 54260, MedGen C1858725, MONDO:0011403, OMIM 604169.

Allele frequency attached by ClinVar (database versions not stated): TOPMed 0.00001; gnomAD exomes 0.00002; gnomAD 0.00003.
gnomAD v4.1: 35 of 1,613,916 alleles (0.0022%); highest among the groups gnomAD compares: African/African-American, 0.004%; no homozygotes.

Submission:

Labcorp Genetics (formerly Invitae), Labcorp
Classification: Uncertain significance for Left ventricular noncompaction 1. Last evaluated: 2025-02-02. Review status: criteria provided, single submitter. Criteria: Invitae Variant Classification Sherloc (09022015). Collection method: clinical testing. Allele origin: germline.
Comment: This sequence change replaces glycine, which is neutral and non-polar, with aspartic acid, which is acidic and polar, at codon 692 of the DTNA protein (p.Gly692Asp). This variant is present in population databases (no rsID available, gnomAD 0.01%). This variant has not been reported in the literature in individuals affected with DTNA-related conditions. ClinVar contains an entry for this variant (Variation ID: 1505560). An algorithm developed to predict the effect of missense changes on protein structure and function (PolyPhen-2) suggests that this variant is likely to be tolerated. In summary, the available evidence is currently insufficient to determine the role of this variant in disease. Therefore, it has been classified as a Variant of Uncertain Significance.